The following is an entry in ClinVar:

ClinVar aggregate classification (germline): Likely pathogenic. Review status: criteria provided, single submitter (1 of 4 stars). 2 submissions from 2 submitters: Likely pathogenic (1). 1 of the submissions does not count toward it. Last evaluated 2026-03-31.

Conditions:
Retinal dystrophy and microvillus inclusion disease. Identifiers: MedGen C5561943, MONDO:0859170, OMIM 619446.

Submissions (2):

GeneDx
Classification: Likely pathogenic. Last evaluated: 2026-03-31. Review status: criteria provided, single submitter. Criteria: GeneDx Variant Classification Process June 2021. Collection method: clinical testing. Allele origin: germline.
Comment: Frameshift variant predicted to result in protein truncation or nonsense mediated decay in a gene or region of a gene for which loss of function is not a well-established mechanism of disease; Not observed at significant frequency in large population cohorts (gnomAD); This variant is associated with the following publications: (PMID: 33974130, 30909251)

OMIM
Classification: Pathogenic for RETINAL DYSTROPHY AND MICROVILLUS INCLUSION DISEASE. Last evaluated: 2025-10-24. Review status: no assertion criteria provided. Collection method: literature only. Allele origin: germline. Not counted in ClinVar's aggregate classification.

Literature cited by the submitters: PubMed 30909251 (cited by OMIM); PubMed 33974130 (cited by OMIM).

NM_004177.5(STX3):c.363_366delinsGA (p.Val122fs)

Gene: STX3 (syntaxin 3; plus strand). Cytogenetic location: 11q12.1.
Variant type: Indel.
Coding change: c.363_366delinsGA on transcript NM_004177.5 (MANE Select); coding-DNA positions 363 to 366, TGTC replaced by GA.
Protein change: p.Val122fs; shifts the reading frame from valine 122.
Molecular consequence: frameshift variant.
Genome position (GRCh38, 1-based): chr11:59,792,112-59,792,115, TGTC replaced by GA. VCF-style: chr11-59792112-TGTC-GA. GRCh37 (hg19) VCF-style: chr11-59559585-TGTC-GA.
Other names: DEL/INS, 363GA; c.363_366delTGTCinsGA, p.Val122Thrfs (NM_001178040.3); c.363_366delinsGA (NM_004177.4); short protein forms V122fs.
Identifiers: ClinVar variation 1184255 (VCV001184255.4), dbSNP rs2135015182, ClinGen allele CA2499221092.
Genomic context (GRCh38, chr11:59,792,112, plus strand): 5'-TCTATAACAGTTACAGAACCACTGGGGCCTGACTGCATTTTACATCATCCCACAGCACTC[TGTC>GA]CTTTCTCGGAAGTTTGTGGAGGTGATGACCAAATACAATGAAGCTCAAGTGGACTTCCGA-3'